The following is an entry in ClinVar:

NM_004130.4(GYG1):c.916G>T (p.Gly306Trp)

Gene: GYG1 (glycogenin 1; plus strand). Cytogenetic location: 3q24.
Variant type: single nucleotide variant.
Coding change: c.916G>T on transcript NM_004130.4 (MANE Select); coding-DNA position 916, G replaced by T.
Protein change: p.Gly306Trp; replaces glycine 306 with tryptophan.
Molecular consequence: missense variant.
Genome position (GRCh38, 1-based): chr3:149,026,796, G>T. VCF-style: chr3-149026796-G-T. GRCh37 (hg19) VCF-style: chr3-148744583-G-T.
Other names: c.865G>T, p.Gly289Trp (NM_001184720.2); c.645G>T, p.Leu215Phe (NM_001184721.2); short protein forms L215F, G306W, G289W.
Identifiers: ClinVar variation 2162754 (VCV002162754.1), dbSNP rs1005317480, ClinGen allele CA85520478.

ClinVar aggregate classification (germline): Uncertain significance (1 of 4 stars; one submission).

Conditions:
Polyglucosan body myopathy type 2. Identifiers: Orphanet 456369, MedGen C4015452, MONDO:0014526, OMIM 616199.
Glycogen storage disease XV (GSD15). Also called: GLYCOGENIN DEFICIENCY; GSD XV. Identifiers: Orphanet 263297, MedGen C3150754, MONDO:0013291, OMIM 613507.

Allele frequency attached by ClinVar (database versions not stated): gnomAD exomes 0.00002; gnomAD 0.00004; TOPMed 0.00008.
gnomAD v4.1: 28 of 1,613,356 alleles (0.0017%); highest among the groups gnomAD compares: African/African-American, 0.0053%; no homozygotes.

Submission:

Labcorp Genetics (formerly Invitae), Labcorp
Classification: Uncertain significance for Polyglucosan body myopathy type 2; Glycogen storage disease XV. Last evaluated: 2022-09-27. Review status: criteria provided, single submitter. Criteria: Invitae Variant Classification Sherloc (09022015). Collection method: clinical testing. Allele origin: germline.
Comment: This sequence change replaces glycine, which is neutral and non-polar, with tryptophan, which is neutral and slightly polar, at codon 306 of the GYG1 protein (p.Gly306Trp). This variant is present in population databases (no rsID available, gnomAD 0.003%). This variant has not been reported in the literature in individuals affected with GYG1-related conditions. Algorithms developed to predict the effect of missense changes on protein structure and function are either unavailable or do not agree on the potential impact of this missense change (SIFT: "Tolerated"; PolyPhen-2: "Possibly Damaging"; Align-GVGD: "Class C0"). In summary, the available evidence is currently insufficient to determine the role of this variant in disease. Therefore, it has been classified as a Variant of Uncertain Significance.